The following is an entry in ClinVar:

ClinVar aggregate classification (germline): Pathogenic/Likely pathogenic. Review status: criteria provided, multiple submitters, no conflicts (2 of 4 stars). 2 submissions from 2 submitters: Pathogenic (1); Likely pathogenic (1). Last evaluated 2026-01-26.

Conditions:
Fatal mitochondrial disease due to combined oxidative phosphorylation defect type 3. Also called: Combined oxidative phosphorylation deficiency 3; ENCEPHALOMYOPATHY, RESPIRATORY FAILURE, AND LACTIC ACIDOSIS. Identifiers: Orphanet 168566, MedGen C1864840, MONDO:0012512, OMIM 610505.

Allele frequency attached by ClinVar (database versions not stated): gnomAD exomes below 0.00001; gnomAD 0.00001; TOPMed 0.00001.

Submissions (2):

Labcorp Genetics (formerly Invitae), Labcorp
Classification: Pathogenic. Last evaluated: 2026-01-26. Review status: criteria provided, single submitter. Criteria: Invitae Variant Classification Sherloc (09022015). Collection method: clinical testing. Allele origin: germline.
Comment: This sequence change creates a premature translational stop signal (p.Gln324Hisfs*12) in the TSFM gene. While this is not anticipated to result in nonsense mediated decay, it is expected to disrupt the last 23 amino acid(s) of the TSFM protein. This variant is not present in population databases (gnomAD no frequency). This variant has not been reported in the literature in individuals affected with TSFM-related conditions. ClinVar contains an entry for this variant (Variation ID: 2886331). This variant disrupts a region of the TSFM protein in which other variant(s) (p.Arg333Trp) have been determined to be pathogenic (PMID: 17033963, 20435138, 21741925, 22277967). This suggests that this is a clinically significant region of the protein, and that variants that disrupt it are likely to be disease-causing. For these reasons, this variant has been classified as Pathogenic.

Natera, Inc.
Classification: Likely pathogenic for Combined oxidative phosphorylation deficiency 3. Last evaluated: 2024-11-25. Review status: criteria provided, single submitter. Criteria: Natera Variant Classification Schema (03/2026). Collection method: clinical testing. Allele origin: germline.
Comment: The c.971_972insT variant in TSFM is a frameshift variant predicted to shift the reading frame beginning at codon 324 and leads to a stop codon 12 codons downstream. This variant is expected to result in nonsense mediated decay, truncation, or a dysfunctional protein product. This variant is rare in the general population with a frequency below the threshold expected for the associated phenotype(s). Given the available evidence, this variant is classified as Likely Pathogenic.

Literature cited by the submitters: PubMed 17033963 (cited by Labcorp Genetics (formerly Invitae), Labcorp); PubMed 20435138 (cited by Labcorp Genetics (formerly Invitae), Labcorp); PubMed 21741925 (cited by Labcorp Genetics (formerly Invitae), Labcorp); PubMed 22277967 (cited by Labcorp Genetics (formerly Invitae), Labcorp).

NM_005726.6(TSFM):c.908_909insT (p.Gln303fs)

Gene: TSFM (Ts translation elongation factor, mitochondrial; plus strand). Cytogenetic location: 12q14.1.
Variant type: Insertion.
Coding change: c.908_909insT on transcript NM_005726.6 (MANE Select); coding-DNA positions 908 to 909, T inserted.
Protein change: p.Gln303fs; shifts the reading frame from glutamine 303.
Molecular consequence: frameshift variant. On other transcripts: 3 prime UTR variant (1), intron variant (1).
Genome position: GRCh38 VCF-style: chr12-57796513-A-AT. GRCh37 (hg19) VCF-style: chr12-58190296-A-AT.
Other names: c.971_972insT (NM_001172696.1); c.*316_*317insT (NM_001172695.2); c.971_972insT, p.Gln324fs (NM_001172696.2); c.571+3440_571+3441insT (NM_001172697.2); short protein forms Q324fs, Q303fs.
Identifiers: ClinVar variation 2886331 (VCV002886331.4), dbSNP rs1491527320, ClinGen allele CA690328697.
Genomic context (GRCh38, chr12:57,796,513, plus strand): 5'-TGCTGTCCCAGCCGTATTTGCTGGATCCCTCCATTACCTTGGGGCAGTATGTGCAGCCTC[A>AT]GGGGGTGTCGGTAGTAGACTTTGTGCGGTTTGAATGTGGAGAAGGTGAAGAGGCAGCAGA-3'